The following is an entry in ClinVar:

ClinVar aggregate classification (germline): Conflicting classifications of pathogenicity. Review status: criteria provided, conflicting classifications (1 of 4 stars). 3 submissions from 3 submitters: Uncertain significance (2); Likely benign (1). Last evaluated 2023-08-24.

Conditions:
Hereditary cancer-predisposing syndrome. Also called: Neoplastic Syndromes, Hereditary; Hereditary neoplastic syndrome; Hereditary Cancer Syndrome; Tumor predisposition. Identifiers: Orphanet 140162, MedGen C0027672, MeSH D009386, MONDO:0015356.
Hereditary breast ovarian cancer syndrome. Also called: Hereditary breast and ovarian cancer; Breast and ovarian cancer; Hereditary breast and/or ovarian cancer syndrome; BRCA1- and BRCA2-Associated Hereditary Breast and Ovarian Cancer; Hereditary breast and ovarian cancer syndrome; Hereditary breast and ovarian cancer syndrome (HBOC). Identifiers: Orphanet 145, MedGen C0677776, MeSH D061325, MONDO:0003582. Disease mechanism: loss of function.

Submissions (3):

Labcorp Genetics (formerly Invitae), Labcorp
Classification: Uncertain significance for Hereditary breast ovarian cancer syndrome. Last evaluated: 2023-08-24. Review status: criteria provided, single submitter. Criteria: Invitae Variant Classification Sherloc (09022015). Collection method: clinical testing. Allele origin: germline.
Comment: In summary, the available evidence is currently insufficient to determine the role of this variant in disease. Therefore, it has been classified as a Variant of Uncertain Significance. Advanced modeling of protein sequence and biophysical properties (such as structural, functional, and spatial information, amino acid conservation, physicochemical variation, residue mobility, and thermodynamic stability) performed at Invitae indicates that this missense variant is not expected to disrupt BRCA2 protein function. ClinVar contains an entry for this variant (Variation ID: 1809548). This variant has not been reported in the literature in individuals affected with BRCA2-related conditions. This variant is not present in population databases (gnomAD no frequency). This sequence change replaces serine, which is neutral and polar, with arginine, which is basic and polar, at codon 1248 of the BRCA2 protein (p.Ser1248Arg).

University of Washington Department of Laboratory Medicine, University of Washington
Classification: Likely benign for Hereditary cancer-predisposing syndrome. Last evaluated: 2023-03-23. Review status: criteria provided, single submitter. Criteria: Dines et al. (Genet Med. 2020). Collection method: curation. Allele origin: germline.
Comment: Missense variant in a coldspot region where missense variants are very unlikely to be pathogenic (PMID:31911673).

BRCA2 exon 11 coldspot. Reclassification based on statistical prior probability.

Quest Diagnostics Nichols Institute San Juan Capistrano
Classification: Uncertain significance. Last evaluated: 2021-07-09. Review status: criteria provided, single submitter. Criteria: Quest Diagnostics criteria. Collection method: clinical testing. Allele origin: unknown.

NM_000059.4(BRCA2):c.3744T>A (p.Ser1248Arg)

Gene: BRCA2 (BRCA2 DNA repair associated; plus strand). Cytogenetic location: 13q13.1.
Variant type: single nucleotide variant.
Coding change: c.3744T>A on transcript NM_000059.4 (MANE Select); coding-DNA position 3744, T replaced by A.
Protein change: p.Ser1248Arg; replaces serine 1248 with arginine.
Molecular consequence: missense variant.
Genome position (GRCh38, 1-based): chr13:32,338,099, T>A. VCF-style: chr13-32338099-T-A. GRCh37 (hg19) VCF-style: chr13-32912236-T-A.
Other names: c.3744T>A, p.Ser1248Arg (NM_001406719.1, NM_001406720.1); short protein forms S1248R.
Identifiers: ClinVar variation 1809548 (VCV001809548.6), dbSNP rs1593900397, ClinGen allele CA387778159.